The following is an entry in ClinVar:

ClinVar aggregate classification (germline): Uncertain significance (1 of 4 stars; one submission).

Conditions:
SEMA3B-related disorder. Also called: SEMA3B-related condition.

Submission:

PreventionGenetics, part of Exact Sciences
Classification: Uncertain significance for SEMA3B-related condition. Last evaluated: 2025-12-08. Review status: criteria provided, single submitter. Criteria: ACMG Guidelines, 2015. Collection method: clinical testing. Allele origin: germline.
Comment: The SEMA3B c.187G>C variant is predicted to result in the amino acid substitution p.Glu63Gln. To our knowledge, this variant has not been reported in the literature or in a large population database (gnomAD), indicating this variant is rare. At this time, the clinical significance of this variant is uncertain due to the absence of conclusive functional and genetic evidence.

NM_001290060.2(SEMA3B):c.187G>C (p.Glu63Gln)

Gene: SEMA3B (semaphorin 3B; plus strand). Cytogenetic location: 3p21.31.
Variant type: single nucleotide variant.
Coding change: c.187G>C on transcript NM_001290060.2 (MANE Select); coding-DNA position 187, G replaced by C.
Protein change: p.Glu63Gln; replaces glutamic acid 63 with glutamine.
Molecular consequence: missense variant.
Genome position (GRCh38, 1-based): chr3:50,270,204, G>C. VCF-style: chr3-50270204-G-C. GRCh37 (hg19) VCF-style: chr3-50307635-G-C.
Other names: c.187G>C, p.Glu63Gln (NM_001005914.3, NM_001290061.1, NM_001435956.1 and 3 more transcripts); short protein forms E63Q.
Identifiers: ClinVar variation 4996568 (VCV004996568.1).
Genomic context (GRCh38, chr3:50,270,204, plus strand): 5'-GGTCTCCAGACTTTCAGCCTGGAGCGAACCTGCTGCTACCAGGCCTTGCTGGTGGATGAG[G>C]AGCGTGGACGCCTGTTTGTGGGTGCCGAGAACCATGTGGCCTCCCTCAACCTGGACAACA-3'
Protein context (NP_001276989.1, residues 53-73): CCYQALLVDE[Glu63Gln]RGRLFVGAEN